The following is an entry in ClinVar:

ClinVar aggregate classification (germline): Uncertain significance (1 of 4 stars; one submission).

Allele frequency attached by ClinVar (database versions not stated): TOPMed below 0.00001; gnomAD 0.00001; gnomAD exomes 0.00001.
gnomAD v4.1: 11 of 1,613,598 alleles (0.00068%); highest among the groups gnomAD compares: Non-Finnish European, 0.00093%; no homozygotes.

Submission:

GeneDx
Classification: Uncertain significance. Last evaluated: 2022-03-07. Review status: criteria provided, single submitter. Criteria: GeneDx Variant Classification Process June 2021. Collection method: clinical testing. Allele origin: germline. Affected: yes.
Comment: Not observed at significant frequency in large population cohorts (gnomAD); In silico analysis supports that this missense variant does not alter protein structure/function; Has not been previously published as pathogenic or benign to our knowledge

NM_001291303.3(FAT4):c.9139T>G (p.Ser3047Ala)

Gene: FAT4 (FAT atypical cadherin 4; plus strand). Cytogenetic location: 4q28.1.
Variant type: single nucleotide variant.
Coding change: c.9139T>G on transcript NM_001291303.3 (MANE Select); coding-DNA position 9139, T replaced by G.
Protein change: p.Ser3047Ala; replaces serine 3047 with alanine.
Molecular consequence: missense variant.
Genome position (GRCh38, 1-based): chr4:125,450,149, T>G. VCF-style: chr4-125450149-T-G. GRCh37 (hg19) VCF-style: chr4-126371304-T-G.
Other names: c.9139T>G, p.Ser3047Ala (NM_001291285.3); c.9133T>G, p.Ser3045Ala (NM_024582.6); short protein forms S3045A, S3047A.
Identifiers: ClinVar variation 1704810 (VCV001704810.2), dbSNP rs1260996050, ClinGen allele CA358150156.